The following is an entry in ClinVar:

NM_007294.4(BRCA1):c.3496del (p.Ala1166fs)

Genes: BRCA1 (BRCA1 DNA repair associated; minus strand), LOC126862571 (BRD4-independent group 4 enhancer GRCh37_chr17:41243136-41244335; plus strand). Cytogenetic location: 17q21.31.
Variant type: Deletion.
Coding change: c.3496del on transcript NM_007294.4 (MANE Select); coding-DNA position 3496, one base deleted (G; older notation c.3496delG).
Protein change: p.Ala1166fs; shifts the reading frame from alanine 1166.
Molecular consequence: frameshift variant. On other transcripts: intron variant (135).
Genome position (GRCh38, 1-based): chr17:43,092,035, C deleted on the plus strand (G on the coding strand, the reverse complement: BRCA1 is on the minus strand). VCF-style (leftmost placement, unchanged base first): chr17-43092034-GC-G. GRCh37 (hg19) VCF-style: chr17-41244051-GC-G.
Other names: c.3283del, p.Ala1095fs (NM_001407571.1, NM_001407853.1, NM_001407894.1 and 9 more transcripts); c.3496del, p.Ala1166fs (NM_001407581.1, NM_007300.4, NM_001407582.1 and 30 more transcripts); c.3115del, p.Ala1039fs (NM_001407959.1, NM_001407960.1, NM_001407963.1); c.3112del, p.Ala1038fs (NM_001407962.1); c.3352del, p.Ala1118fs (NM_001407964.1, NM_001407740.1, NM_001407741.1 and 20 more transcripts); c.2992del, p.Ala998fs (NM_001407965.1); c.2608del, p.Ala870fs (NM_001407966.1, NM_001407967.1); c.892del, p.Ala298fs (NM_001407968.1, NM_001407969.1); and 41 more; short protein forms A1166fs, A1119fs, A1038fs, A1039fs, A1095fs, A1118fs, A1165fs, A870fs.
Identifiers: ClinVar variation 254430 (VCV000254430.4), dbSNP rs886038015, ClinGen allele CA10586628.

ClinVar aggregate classification (germline): Pathogenic (3 of 4 stars; one submission).

Conditions:
Breast-ovarian cancer, familial, susceptibility to, 1 (BROVCA1). Also called: BRCA1 Hereditary Breast and Ovarian Cancer; OVARIAN CANCER, SUSCEPTIBILITY TO. Identifiers: Orphanet 145, MedGen C2676676, MONDO:0011450, OMIM 604370. Disease mechanism: loss of function.

Submission:

Evidence-based Network for the Interpretation of Germline Mutant Alleles (ENIGMA)
Classification: Pathogenic for Breast-ovarian cancer, familial, susceptibility to, 1. Last evaluated: 2016-09-08. Review status: reviewed by expert panel. Criteria: ENIGMA BRCA1/2 Classification Criteria (2015). Collection method: curation. Allele origin: germline.
Comment: Variant allele predicted to encode a truncated non-functional protein.